The following is an entry in ClinVar:

ClinVar aggregate classification (germline): Uncertain significance (1 of 4 stars; one submission).

gnomAD v4.1: 1 of 1,613,680 alleles (0.000062%); highest among the groups gnomAD compares: Non-Finnish European, 0.000085%; no homozygotes.

Submission:

Women's Health and Genetics/Laboratory Corporation of America, LabCorp
Classification: Uncertain significance. Last evaluated: 2024-03-27. Review status: criteria provided, single submitter. Criteria: LabCorp Variant Classification Summary - May 2015. Collection method: clinical testing. Allele origin: germline.
Comment: Variant summary: ASH1L c.7316G>T (p.Arg2439Leu) results in a non-conservative amino acid change in the encoded protein sequence. Three of five in-silico tools predict a damaging effect of the variant on protein function. The variant was absent in 249676 control chromosomes. The available data on variant occurrences in the general population are insufficient to allow any conclusion about variant significance. To our knowledge, no occurrence of c.7316G>T in individuals affected with Intellectual Disability, Autosomal Dominant 52 and no experimental evidence demonstrating its impact on protein function have been reported. No submitters have cited clinical-significance assessments for this variant to ClinVar. Based on the evidence outlined above, the variant was classified as uncertain significance.

NM_018489.3(ASH1L):c.7316G>T (p.Arg2439Leu)

Gene: ASH1L (ASH1 like histone lysine methyltransferase; minus strand). Cytogenetic location: 1q22.
Variant type: single nucleotide variant.
Coding change: c.7316G>T on transcript NM_018489.3 (MANE Select); coding-DNA position 7316, G replaced by T.
Protein change: p.Arg2439Leu; replaces arginine 2439 with leucine.
Molecular consequence: missense variant.
Genome position (GRCh38, 1-based): chr1:155,352,756, C>A on the plus strand (G>T on the coding strand, the complement: ASH1L is on the minus strand). VCF-style: chr1-155352756-C-A. GRCh37 (hg19) VCF-style: chr1-155322547-C-A.
Other names: c.7331G>T, p.Arg2444Leu (NM_001366177.2); short protein forms R2439L, R2444L.
Identifiers: ClinVar variation 3233751 (VCV003233751.2), dbSNP rs1175812232, ClinGen allele CA342744999.
Genomic context (GRCh38, chr1:155,352,756, plus strand): 5'-TTATAGTCACCTTTATAAGAGATGATACCATCACAAATTTCTTTGAAGATCTGGGCTAGG[C>A]GGGCTGCCCGAGCCACTTCAATATTTTCCTCTGCAGCTGCCAACCGTCTTGTTCGAACAG-3'
Protein context (NP_060959.2, residues 2429-2449): EENIEVARAA[Arg2439Leu]LAQIFKEICD